The following is an entry in ClinVar:

NM_001267550.2(TTN):c.103537G>C (p.Ala34513Pro)

Genes: TTN (titin; minus strand), TTN-AS1 (TTN antisense RNA 1; plus strand). Cytogenetic location: 2q31.2.
Variant type: single nucleotide variant.
Coding change: c.103537G>C on transcript NM_001267550.2 (MANE Select); coding-DNA position 103537, G replaced by C.
Protein change: p.Ala34513Pro; replaces alanine 34513 with proline.
Molecular consequence: missense variant.
Genome position (GRCh38, 1-based): chr2:178,533,078, C>G on the plus strand (G>C on the coding strand, the complement: TTN is on the minus strand). VCF-style: chr2-178533078-C-G. GRCh37 (hg19) VCF-style: chr2-179397805-C-G.
Other names: c.98614G>C, p.Ala32872Pro (NM_001256850.1); c.76342G>C, p.Ala25448Pro (NM_003319.4); c.95833G>C, p.Ala31945Pro (NM_133378.4); c.76717G>C, p.Ala25573Pro (NM_133432.3); c.76918G>C, p.Ala25640Pro (NM_133437.4); short protein forms A25573P, A34513P, A32872P, A25448P, A25640P, A31945P.
Identifiers: ClinVar variation 2937633 (VCV002937633.3), dbSNP rs2468478127, ClinGen allele CA349414065.

ClinVar aggregate classification (germline): Uncertain significance (1 of 4 stars; one submission).

Conditions:
Dilated cardiomyopathy 1G (CMD1G). Identifiers: Orphanet 154, MedGen C1858763, MONDO:0011400, OMIM 604145.
Autosomal recessive limb-girdle muscular dystrophy type 2J (LGMDR10). Also called: Limb-girdle muscular dystrophy, type 2J; MUSCULAR DYSTROPHY, LIMB-GIRDLE, AUTOSOMAL RECESSIVE 10. Identifiers: Orphanet 140922, MedGen C1837342, MONDO:0012127, OMIM 608807.

gnomAD v4.1: 2 of 1,613,934 alleles (0.00012%); highest among the groups gnomAD compares: Non-Finnish European, 0.00017%; no homozygotes.

Submission:

Labcorp Genetics (formerly Invitae), Labcorp
Classification: Uncertain significance for Dilated cardiomyopathy 1G; Autosomal recessive limb-girdle muscular dystrophy type 2J. Last evaluated: 2024-01-01. Review status: criteria provided, single submitter. Criteria: Invitae Variant Classification Sherloc (09022015). Collection method: clinical testing. Allele origin: germline.
Comment: This sequence change replaces alanine, which is neutral and non-polar, with proline, which is neutral and non-polar, at codon 34513 of the TTN protein (p.Ala34513Pro). This variant is not present in population databases (gnomAD no frequency). This variant has not been reported in the literature in individuals affected with TTN-related conditions. Experimental studies and prediction algorithms are not available or were not evaluated, and the functional significance of this variant is currently unknown. This variant is located in the M band of TTN (PMID: 25589632). Non-truncating variants in this region may be relevant for neuromuscular disorders, but have not been definitively shown to cause cardiomyopathy (PMID: 23975875). In summary, the available evidence is currently insufficient to determine the role of this variant in disease. Therefore, it has been classified as a Variant of Uncertain Significance.

Literature cited by the submitters: PubMed 25589632; PubMed 23975875.